The following is an entry in ClinVar:

NM_000548.5(TSC2):c.2606T>A (p.Phe869Tyr)

Gene: TSC2 (TSC complex subunit 2; plus strand). Cytogenetic location: 16p13.3.
Variant type: single nucleotide variant.
Coding change: c.2606T>A on transcript NM_000548.5 (MANE Select); coding-DNA position 2606, T replaced by A.
Protein change: p.Phe869Tyr; replaces phenylalanine 869 with tyrosine.
Molecular consequence: missense variant.
Genome position (GRCh38, 1-based): chr16:2,075,859, T>A. VCF-style: chr16-2075859-T-A. GRCh37 (hg19) VCF-style: chr16-2125860-T-A.
Other names: c.2606T>A, p.Phe869Tyr (NM_001077183.3, NM_001114382.3, NM_001363528.2 and 3 more transcripts); c.2495T>A, p.Phe832Tyr (NM_001318827.2); c.2459T>A, p.Phe820Tyr (NM_001318829.2); c.2006T>A, p.Phe669Tyr (NM_001318831.2); c.2639T>A, p.Phe880Tyr (NM_001318832.2); short protein forms F669Y, F820Y, F832Y, F869Y, F880Y.
Identifiers: ClinVar variation 1052040 (VCV001052040.9), dbSNP rs2151381329, ClinGen allele CA394278422.

ClinVar aggregate classification (germline): Uncertain significance (1 of 4 stars; one submission).

Conditions:
Tuberous sclerosis 2 (TSC2). Identifiers: Orphanet 805, MedGen C1860707, MONDO:0013199, OMIM 613254.

Submission:

Labcorp Genetics (formerly Invitae), Labcorp
Classification: Uncertain significance for Tuberous sclerosis 2. Last evaluated: 2020-08-17. Review status: criteria provided, single submitter. Criteria: Invitae Variant Classification Sherloc (09022015). Collection method: clinical testing. Allele origin: germline.
Comment: This sequence change replaces phenylalanine with tyrosine at codon 869 of the TSC2 protein (p.Phe869Tyr). The phenylalanine residue is highly conserved and there is a small physicochemical difference between phenylalanine and tyrosine. This variant is not present in population databases (ExAC no frequency). This variant has not been reported in the literature in individuals with TSC2-related conditions. Advanced modeling of protein sequence and biophysical properties (such as structural, functional, and spatial information, amino acid conservation, physicochemical variation, residue mobility, and thermodynamic stability) performed at Invitae indicates that this missense variant is not expected to disrupt TSC2 protein function. In summary, the available evidence is currently insufficient to determine the role of this variant in disease. Therefore, it has been classified as a Variant of Uncertain Significance.